The following is an entry in ClinVar:

ClinVar aggregate classification (germline): Uncertain significance. Review status: criteria provided, multiple submitters, no conflicts (2 of 4 stars). 3 submissions from 3 submitters: Uncertain significance (3). Last evaluated 2024-07-26.

Conditions:
Fanconi anemia complementation group D2. Also called: FANCONI PANCYTOPENIA, TYPE 4; FANCD2-Related Fanconi Anemia; FANCONI ANEMIA, COMPLEMENTATION GROUP D. Identifiers: Orphanet 84, MedGen C3160738, MONDO:0009214, OMIM 227646.
Inborn genetic diseases. Identifiers: MedGen C0950123, MeSH D030342.
Fanconi anemia (FA). Also called: Fanconi's anemia. Identifiers: Orphanet 84, MedGen C0015625, MeSH D005199, MONDO:0019391.

Allele frequency attached by ClinVar (database versions not stated): gnomAD exomes 0.00001; ExAC 0.00002.
gnomAD v4.1: 10 of 1,613,872 alleles (0.00062%); highest among the groups gnomAD compares: South Asian, 0.0077%; no homozygotes.

Submissions (3):

Labcorp Genetics (formerly Invitae), Labcorp
Classification: Uncertain significance for Fanconi anemia. Last evaluated: 2024-07-26. Review status: criteria provided, single submitter. Criteria: Invitae Variant Classification Sherloc (09022015). Collection method: clinical testing. Allele origin: germline.
Comment: This sequence change replaces lysine, which is basic and polar, with asparagine, which is neutral and polar, at codon 811 of the FANCD2 protein (p.Lys811Asn). This variant is present in population databases (rs769811062, gnomAD 0.007%). This variant has not been reported in the literature in individuals affected with FANCD2-related conditions. ClinVar contains an entry for this variant (Variation ID: 902940). Advanced modeling of protein sequence and biophysical properties (such as structural, functional, and spatial information, amino acid conservation, physicochemical variation, residue mobility, and thermodynamic stability) performed at Invitae indicates that this missense variant is expected to disrupt FANCD2 protein function with a positive predictive value of 80%. In summary, the available evidence is currently insufficient to determine the role of this variant in disease. Therefore, it has been classified as a Variant of Uncertain Significance.

Ambry Genetics
Classification: Uncertain significance for Inborn genetic diseases. Last evaluated: 2022-01-04. Review status: criteria provided, single submitter. Criteria: Ambry Variant Classification Scheme 2023. Collection method: clinical testing. Allele origin: germline.

Illumina Laboratory Services, Illumina
Classification: Uncertain significance for Fanconi anemia complementation group D2. Last evaluated: 2018-01-13. Review status: criteria provided, single submitter. Criteria: ICSL Variant Classification Criteria 13 December 2019. Collection method: clinical testing. Allele origin: germline.

NM_001018115.3(FANCD2):c.2433G>C (p.Lys811Asn)

Genes: FANCD2 (FA complementation group D2; plus strand), LOC107303338 (3p25 FANCD2 Alu-mediated recombination region; plus strand). Cytogenetic location: 3p25.3.
Variant type: single nucleotide variant.
Coding change: c.2433G>C on transcript NM_001018115.3 (MANE Select); coding-DNA position 2433, G replaced by C.
Protein change: p.Lys811Asn; replaces lysine 811 with asparagine.
Molecular consequence: missense variant.
Genome position (GRCh38, 1-based): chr3:10,067,256, G>C. VCF-style: chr3-10067256-G-C. GRCh37 (hg19) VCF-style: chr3-10108940-G-C.
Other names: c.2433G>C, p.Lys811Asn (NM_001319984.2, NM_001374254.1, NM_033084.6); c.2322G>C, p.Lys774Asn (NM_001374253.1); short protein forms K811N, K774N.
Identifiers: ClinVar variation 902940 (VCV000902940.8), dbSNP rs769811062, ClinGen allele CA2250082.
Genomic context (GRCh38, chr3:10,067,256, plus strand): 5'-TTGTACTTTGCAGATTGTAAATGCCTTCTGCCAGGAAACATCACCTGAGATGAAGGGGAA[G>C]GTGCTCACTCGGTTAAAGCACATTGTAGAATTGCAAATAATCCTGGAAAAGTACTTGGCA-3'
Protein context (NP_001018125.1, residues 801-821): CQETSPEMKG[Lys811Asn]VLTRLKHIVE